The following is an entry in ClinVar:

NM_001376.5(DYNC1H1):c.12907G>A (p.Glu4303Lys)

Gene: DYNC1H1 (dynein cytoplasmic 1 heavy chain 1; plus strand). Cytogenetic location: 14q32.31.
Variant type: single nucleotide variant.
Coding change: c.12907G>A on transcript NM_001376.5 (MANE Select); coding-DNA position 12907, G replaced by A.
Protein change: p.Glu4303Lys; replaces glutamic acid 4303 with lysine.
Molecular consequence: missense variant.
Genome position (GRCh38, 1-based): chr14:102,044,599, G>A. VCF-style: chr14-102044599-G-A. GRCh37 (hg19) VCF-style: chr14-102510936-G-A.
Other names: short protein forms E4303K.
Identifiers: ClinVar variation 4802088 (VCV004802088.1).

ClinVar aggregate classification (germline): Uncertain significance (1 of 4 stars; one submission).

Conditions:
Charcot-Marie-Tooth disease axonal type 2O. Also called: CHARCOT-MARIE-TOOTH NEUROPATHY, AXONAL, TYPE 2O; CHARCOT-MARIE-TOOTH DISEASE, AXONAL, AUTOSOMAL DOMINANT, TYPE 2O; Charcot-Marie-Tooth Neuropathy Type 2O; Charcot-Marie-Tooth disease, axonal, type 20. Identifiers: Orphanet 284232, MedGen C3280220, MONDO:0013644, OMIM 614228.

gnomAD v4.1: 2 of 1,614,224 alleles (0.00012%); highest among the groups gnomAD compares: Non-Finnish European, 0.00017%; no homozygotes.

Submission:

Labcorp Genetics (formerly Invitae), Labcorp
Classification: Uncertain significance for Charcot-Marie-Tooth disease axonal type 2O. Last evaluated: 2025-12-10. Review status: criteria provided, single submitter. Criteria: Invitae Variant Classification Sherloc (09022015). Collection method: clinical testing. Allele origin: germline.
Comment: This sequence change replaces glutamic acid, which is acidic and polar, with lysine, which is basic and polar, at codon 4303 of the DYNC1H1 protein (p.Glu4303Lys). This variant is not present in population databases (gnomAD no frequency). This variant has not been reported in the literature in individuals affected with DYNC1H1-related conditions. Invitae Evidence Modeling of protein sequence and biophysical properties (such as structural, functional, and spatial information, amino acid conservation, physicochemical variation, residue mobility, and thermodynamic stability) indicates that this missense variant is not expected to disrupt DYNC1H1 protein function with a negative predictive value of 95%. In summary, the available evidence is currently insufficient to determine the role of this variant in disease. Therefore, it has been classified as a Variant of Uncertain Significance.